The following is an entry in ClinVar:

NC_000020.10:g.(?_61977556)_(62078210_?)del

Genes: CHRNA4 (cholinergic receptor nicotinic alpha 4 subunit; minus strand), KCNQ2 (potassium voltage-gated channel subfamily Q member 2; minus strand). Cytogenetic location: 20q13.33.
Variant type: Deletion.
Identifiers: ClinVar variation 1069869 (VCV001069869.2).

ClinVar aggregate classification (germline): Pathogenic (1 of 4 stars; one submission).

Conditions:
Developmental and epileptic encephalopathy. Identifiers: MedGen C5779964, MONDO:0100620.

Submission:

Labcorp Genetics (formerly Invitae), Labcorp
Classification: Pathogenic for Early-infantile DEE. Last evaluated: 2020-03-05. Review status: criteria provided, single submitter. Criteria: Invitae Variant Classification Sherloc (09022015). Collection method: clinical testing. Allele origin: germline.
Comment: This variant is a gross deletion of the genomic region encompassing exons 2-17 of the KCNQ2 gene. The 5' boundary is likely confined to intron 1. The 3' end of this event is unknown as it extends through the termination codon beyond the assayed region for this gene and may encompass additional genes. While this deletion is not anticipated to result in nonsense mediated decay, it is expected to create a truncated protein product or disrupt mRNA translation. This variant has not been reported in the literature in individuals with KCNQ2-related conditions. The region of the KCNQ2 gene that includes exon(s) 17 has been determined to be clinically significant (Invitae). Therefore, deletions that encompass that region are likely to disrupt protein function and cause disease. For these reasons, this variant has been classified as Pathogenic.